The following is an entry in ClinVar:

ClinVar aggregate classification (germline): Pathogenic (1 of 4 stars; one submission).

Conditions:
8q24.3 microdeletion syndrome. Also called: CHROMOSOME 8q24.3 DELETION SYNDROME; Verheij syndrome. Identifiers: Orphanet 508488, MedGen C3810023, MONDO:0014263, OMIM 615583.

Submission:

Victorian Clinical Genetics Services, Murdoch Childrens Research Institute
Classification: Pathogenic for 8q24.3 microdeletion syndrome. Last evaluated: 2023-07-17. Review status: criteria provided, single submitter. Criteria: ACMG Guidelines, 2015. Collection method: clinical testing. Allele origin: germline. Inheritance: Autosomal dominant inheritance. Affected: yes.
Comment: Based on the classification scheme VCGS_Germline_v1.3.4, this variant is classified as Pathogenic. Following criteria are met: 0102 - Loss of function is a known mechanism of disease in this gene and is associated with Verheij syndrome (MIM#615583). (I) 0107 - This gene is associated with autosomal dominant disease. (I) 0115 - Variants in this gene are known to have variable expressivity (PMID: 28327570). (I) 0201 - Variant is predicted to cause nonsense-mediated decay (NMD) and loss of protein (premature termination codon is located at least 54 nucleotides upstream of the final exon-exon junction). (SP) 0251 - This variant is heterozygous. (I) 0301 - Variant is absent from gnomAD (both v2 and v3). (SP) 0701 - Other NMD-predicted variants comparable to the one identified in this case have very strong previous evidence for pathogenicity. These variants have been reported many times as pathogenic (DECIPHER). (SP) 0807 - This variant has no previous evidence of pathogenicity. (I) 0905 - No published segregation evidence has been identified for this variant. (I) 1007 - No published functional evidence has been identified for this variant. (SP) Legend: (SP) - Supporting pathogenic, (I) - Information, (SB) - Supporting benign

Literature cited by the submitters: PubMed 28327570.

NM_078480.3(PUF60):c.615del (p.Ser206fs)

Gene: PUF60 (poly(U) binding splicing factor 60; minus strand). Cytogenetic location: 8q24.3.
Variant type: Deletion.
Coding change: c.615del on transcript NM_078480.3 (MANE Select); coding-DNA position 615, one base deleted (C; older notation c.615delC).
Protein change: p.Ser206fs; shifts the reading frame from serine 206.
Molecular consequence: frameshift variant.
Genome position (GRCh38, 1-based): chr8:143,818,064, G deleted on the plus strand (C on the coding strand, the reverse complement: PUF60 is on the minus strand); the first of 3 consecutive G bases (chr8:143,818,064-143,818,066); deleting any one gives the same sequence. VCF-style (leftmost placement, unchanged base first): chr8-143818063-TG-T. GRCh37 (hg19) VCF-style: chr8-144900233-TG-T.
Other names: c.486del, p.Ser163fs (NM_001136033.3); c.561del, p.Ser188fs (NM_001271096.2); c.477del, p.Ser160fs (NM_001271097.2); c.612del, p.Ser205fs (NM_001271098.2); c.528del, p.Ser177fs (NM_001271099.2); c.435del, p.Ser146fs (NM_001271100.2); c.726del, p.Ser243fs (NM_001362895.2, NM_001362896.2); c.675del, p.Ser226fs (NM_001362897.2); and 1 more; short protein forms S146fs, S160fs, S163fs, S177fs, S188fs, S189fs, S205fs, S206fs.
Identifiers: ClinVar variation 3255207 (VCV003255207.1), dbSNP rs2538860997.